The following is an entry in ClinVar:

ClinVar aggregate classification (germline): Benign/Likely benign. Review status: criteria provided, multiple submitters, no conflicts (2 of 4 stars). 18 submissions from 15 submitters: Benign (10); Likely benign (3). 5 of the submissions do not count toward it. Last evaluated 2026-02-03.

Conditions:
Emery-Dreifuss muscular dystrophy 4, autosomal dominant (EDMD4). Also called: EMERY-DREIFUSS MUSCULAR DYSTROPHY 4 WITH VARIABLE FEATURES. Identifiers: Orphanet 261, MedGen C2751807, MONDO:0013071, OMIM 612998.
Autosomal recessive ataxia, Beauce type. Also called: SYNE1 Deficiency; Spinocerebellar ataxia, autosomal recessive 8; ATAXIA, RECESSIVE, OF BEAUCE; SYNE1-Related Autosomal Recessive Cerebellar Ataxia. Identifiers: Orphanet 88644, MedGen C1853116, MONDO:0012549, OMIM 610743.
Arthrogryposis multiplex congenita 3, myogenic type. Also called: ARTHROGRYPOSIS MULTIPLEX CONGENITA, MYOGENIC TYPE. Identifiers: MedGen C5193121, MONDO:0032778, OMIM 618484.

Allele frequency attached by ClinVar (database versions not stated): gnomAD exomes 0.98930 and 0.99191; gnomAD 0.99149 and 0.99198; TOPMed 0.99181; ExAC 0.99228; ESP Exome Variant Server 0.99308; 1000 Genomes Project 0.99561; 1000 Genomes Project 30x 0.99563.
gnomAD v4.1: 1,597,146 of 1,614,028 alleles (99%); highest among the groups gnomAD compares: East Asian, 100%; 790,225 homozygotes.

Submissions (18):

Labcorp Genetics (formerly Invitae), Labcorp
Classification: Benign for Emery-Dreifuss muscular dystrophy 4, autosomal dominant; Autosomal recessive ataxia, Beauce type. Last evaluated: 2026-02-03. Review status: criteria provided, single submitter. Criteria: Invitae Variant Classification Sherloc (09022015). Collection method: clinical testing. Allele origin: germline.

Mayo Clinic Laboratories, Mayo Clinic
Classification: Likely benign. Last evaluated: 2025-12-13. Review status: criteria provided, single submitter. Criteria: ACMG Guidelines, 2015. Collection method: clinical testing. Allele origin: germline. Observed: 1,153 variant alleles.

Blueprint Genetics
Classification: Benign. Last evaluated: 2024-11-27. Review status: criteria provided, single submitter. Criteria: ACMG Guidelines, 2015. Collection method: clinical testing. Allele origin: germline.

Genome-Nilou Lab
Classification: Benign for Arthrogryposis multiplex congenita 3, myogenic type. Last evaluated: 2021-07-15. Review status: criteria provided, single submitter. Criteria: ACMG Guidelines, 2015. Collection method: clinical testing. Allele origin: germline. Affected: no.

Genome-Nilou Lab
Classification: Benign for Emery-Dreifuss muscular dystrophy 4, autosomal dominant. Last evaluated: 2021-07-15. Review status: criteria provided, single submitter. Criteria: ACMG Guidelines, 2015. Collection method: clinical testing. Allele origin: germline. Affected: no.

Genome-Nilou Lab
Classification: Benign for Autosomal recessive ataxia, Beauce type. Last evaluated: 2021-07-15. Review status: criteria provided, single submitter. Criteria: ACMG Guidelines, 2015. Collection method: clinical testing. Allele origin: germline. Affected: no.

Athena Diagnostics
Classification: Benign. Last evaluated: 2018-11-02. Review status: criteria provided, single submitter. Criteria: Athena Diagnostics Criteria. Collection method: clinical testing. Allele origin: germline.

Illumina Laboratory Services, Illumina
Classification: Benign for Autosomal recessive ataxia, Beauce type. Last evaluated: 2018-01-13. Review status: criteria provided, single submitter. Criteria: ICSL Variant Classification Criteria 13 December 2019. Collection method: clinical testing. Allele origin: germline.
Comment: This variant was observed in the ICSL laboratory as part of a predisposition screen in an ostensibly healthy population. It had not been previously curated by ICSL or reported in the Human Gene Mutation Database (HGMD: prior to June 1st, 2018), and was therefore a candidate for classification through an automated scoring system. Utilizing variant allele frequency, disease prevalence and penetrance estimates, and inheritance mode, an automated score was calculated to assess if this variant is too frequent to cause the disease. Based on the score and internal cut-off values, a variant classified as benign is not then subjected to further curation. The score for this variant resulted in a classification of benign for this disease.

Illumina Laboratory Services, Illumina
Classification: Benign for Emery-Dreifuss muscular dystrophy 4, autosomal dominant. Last evaluated: 2018-01-13. Review status: criteria provided, single submitter. Criteria: ICSL Variant Classification Criteria 13 December 2019. Collection method: clinical testing. Allele origin: germline.
Comment: the same text as in the submission from Illumina Laboratory Services, Illumina above.

Eurofins Ntd Llc (ga)
Classification: Likely benign. Last evaluated: 2016-09-26. Review status: criteria provided, single submitter. Criteria: EGL Classification Definitions 2015. Collection method: clinical testing. Allele origin: germline. Observed: 1 variant allele, 1 heterozygote.

GeneDx
Classification: Benign. Last evaluated: 2016-01-25. Review status: criteria provided, single submitter. Criteria: GeneDx Variant Classification (06012015). Collection method: clinical testing. Allele origin: germline. Affected: yes.
Comment: This variant is considered likely benign or benign based on one or more of the following criteria: it is a conservative change, it occurs at a poorly conserved position in the protein, it is predicted to be benign by multiple in silico algorithms, and/or has population frequency not consistent with disease.

Breakthrough Genomics
Classification: Likely benign. Review status: criteria provided, single submitter. Criteria: ACMG Guidelines, 2015. Collection method: not provided. Allele origin: germline. Inheritance: Autosomal recessive inheritance. Affected: yes.

PreventionGenetics, part of Exact Sciences
Classification: Benign. Review status: criteria provided, single submitter. Criteria: ACMG Guidelines, 2015. Collection method: clinical testing. Allele origin: germline.

Clinical Genetics DNA and cytogenetics Diagnostics Lab, Erasmus MC, Erasmus Medical Center
Classification: Benign. Review status: no assertion criteria provided. Collection method: clinical testing. Allele origin: germline. Affected: yes. Study: VKGL Data-share Consensus. Not counted in ClinVar's aggregate classification.

Clinical Genetics, Academic Medical Center
Classification: Benign. Review status: no assertion criteria provided. Collection method: clinical testing. Allele origin: germline. Affected: yes. Study: VKGL Data-share Consensus. Not counted in ClinVar's aggregate classification.

Diagnostic Laboratory, Department of Genetics, University Medical Center Groningen
Classification: Benign. Review status: no assertion criteria provided. Collection method: clinical testing. Allele origin: germline. Affected: yes. Study: VKGL Data-share Consensus. Not counted in ClinVar's aggregate classification.

Genetic Services Laboratory, University of Chicago
Classification: Likely benign for AllHighlyPenetrant. Review status: no assertion criteria provided. Collection method: clinical testing. Allele origin: germline. Inheritance: Autosomal dominant inheritance. Not counted in ClinVar's aggregate classification.
Comment: Likely benign based on allele frequency in 1000 Genomes Project or ESP global frequency and its presence in a patient with a rare or unrelated disease phenotype. NOT Sanger confirmed.

Joint Genome Diagnostic Labs from Nijmegen and Maastricht, Radboudumc and MUMC+
Classification: Benign. Review status: no assertion criteria provided. Collection method: clinical testing. Allele origin: germline. Affected: yes. Study: VKGL Data-share Consensus. Not counted in ClinVar's aggregate classification.

NM_182961.4(SYNE1):c.21904T>G (p.Phe7302Val)

Gene: SYNE1 (spectrin repeat containing nuclear envelope protein 1; minus strand). Cytogenetic location: 6q25.2.
Variant type: single nucleotide variant.
Coding change: c.21904T>G on transcript NM_182961.4 (MANE Select); coding-DNA position 21904, T replaced by G.
Protein change: p.Phe7302Val; replaces phenylalanine 7302 with valine.
Molecular consequence: missense variant.
Genome position (GRCh38, 1-based): chr6:152,219,143, A>C on the plus strand (T>G on the coding strand, the complement: SYNE1 is on the minus strand). VCF-style: chr6-152219143-A-C. GRCh37 (hg19) VCF-style: chr6-152540278-A-C.
Other names: p.Phe7231Val; c.21691T>G, p.Phe7231Val (NM_033071.5); short protein forms F7231V, F7302V.
Identifiers: ClinVar variation 130419 (VCV000130419.36), dbSNP rs2147377, ClinGen allele CA155404.